The following is an entry in ClinVar:

ClinVar aggregate classification (germline): Likely benign (1 of 4 stars; one submission).

Allele frequency attached by ClinVar (database versions not stated): TOPMed 0.00017; ExAC 0.00019; gnomAD 0.00020; gnomAD exomes 0.00021; ESP Exome Variant Server 0.00028; 1000 Genomes Project 30x 0.00104; 1000 Genomes Project 0.00106.
gnomAD v4.1: 272 of 1,208,697 alleles (0.023%); highest among the groups gnomAD compares: Middle Eastern, 1.6%; 3 homozygotes.

Submission:

CeGaT Center for Human Genetics Tuebingen
Classification: Likely benign. Last evaluated: 2023-02-01. Review status: criteria provided, single submitter. Criteria: CeGaT Center For Human Genetics Tuebingen Variant Classification Criteria Version 2. Collection method: clinical testing. Allele origin: germline. Affected: yes. Observed: 1 variant allele.
Comment: KLF8: BS2

NM_007250.5(KLF8):c.562G>A (p.Val188Met)

Gene: KLF8 (KLF transcription factor 8; plus strand). Cytogenetic location: Xp11.21.
Variant type: single nucleotide variant.
Coding change: c.562G>A on transcript NM_007250.5 (MANE Select); coding-DNA position 562, G replaced by A.
Protein change: p.Val188Met; replaces valine 188 with methionine.
Molecular consequence: missense variant. On other transcripts: non-coding transcript variant (2).
Genome position (GRCh38, 1-based): chrX:56,265,660, G>A. VCF-style: chrX-56265660-G-A. GRCh37 (hg19) VCF-style: chrX-56292093-G-A.
Other names: c.577G>A, p.Val193Met (NM_001324104.1); c.553G>A, p.Val185Met (NM_001324105.1); c.562G>A, p.Val188Met (NM_001159296.2, NM_001324100.1, NM_001324102.1); c.547G>A, p.Val183Met (NM_001324099.1); short protein forms V183M, V185M, V188M, V193M.
Identifiers: ClinVar variation 2660706 (VCV002660706.24), dbSNP rs140327143, ClinGen allele CA10429911.
Genomic context (GRCh38, chrX:56,265,660, plus strand): 5'-CTGCCAAATAAGATGGGTGGCCTGAAGACCATCCCAGTGGTAGTGCAGTCTCTGCCCATG[G>A]TGTATACTACTTTGCCTGCAGATGGGGGCCCTGCAGCCATTACAGTCCCACTCATTGGAG-3'
Protein context (NP_009181.2, residues 178-198): IPVVVQSLPM[Val188Met]YTTLPADGGP